The following is an entry in ClinVar:

ClinVar aggregate classification (germline): Pathogenic (1 of 4 stars; one submission).

Submission:

Labcorp Genetics (formerly Invitae), Labcorp
Classification: Pathogenic. Last evaluated: 2023-05-22. Review status: criteria provided, single submitter. Criteria: Invitae Variant Classification Sherloc (09022015). Collection method: clinical testing. Allele origin: germline.
Comment: This sequence change affects an acceptor splice site in intron 8 of the ARSG gene. It is expected to disrupt RNA splicing. Variants that disrupt the donor or acceptor splice site typically lead to a loss of protein function (PMID: 16199547), and loss-of-function variants in ARSG are known to be pathogenic (PMID: 26975023, 34223797). This variant is not present in population databases (gnomAD no frequency). Disruption of this splice site has been observed in individual(s) with clinical features of Usher syndrome (Invitae). ClinVar contains an entry for this variant (Variation ID: 1960975). Algorithms developed to predict the effect of sequence changes on RNA splicing suggest that this variant may disrupt the consensus splice site. For these reasons, this variant has been classified as Pathogenic.

Literature cited by the submitters: PubMed 16199547; PubMed 26975023; PubMed 34223797.

NM_001267727.2(ARSG):c.983-2A>G

Gene: ARSG (arylsulfatase G; plus strand). Cytogenetic location: 17q24.2.
Variant type: single nucleotide variant.
Coding change: c.983-2A>G on transcript NM_001267727.2 (MANE Select); the canonical splice acceptor site of the intron before coding-DNA position 983, A replaced by G.
Molecular consequence: splice acceptor variant.
Genome position (GRCh38, 1-based): chr17:68,385,062, A>G. VCF-style: chr17-68385062-A-G. GRCh37 (hg19) VCF-style: chr17-66381203-A-G.
Other names: c.980-2A>G (NM_001352903.2, NM_001352905.2, NM_001352906.2 and 2 more transcripts); c.983-2A>G (NM_001352910.2, NM_001352899.2, NM_001352900.2 and 3 more transcripts); c.935-2A>G (NM_001352909.2).
Identifiers: ClinVar variation 1960975 (VCV001960975.5), dbSNP rs2509431594, ClinGen allele CA400748530.